The following is an entry in ClinVar:

ClinVar aggregate classification (germline): Conflicting classifications of pathogenicity. Review status: criteria provided, conflicting classifications (1 of 4 stars). 3 submissions from 3 submitters: Uncertain significance (2); Likely benign (1). Last evaluated 2025-10-25.

Conditions:
Hereditary cancer-predisposing syndrome. Also called: Hereditary neoplastic syndrome; Neoplastic Syndromes, Hereditary; Tumor predisposition; Hereditary Cancer Syndrome. Identifiers: Orphanet 140162, MedGen C0027672, MeSH D009386, MONDO:0015356.

Allele frequency attached by ClinVar (database versions not stated): TOPMed below 0.00001.
gnomAD v4.1: 4 of 1,614,044 alleles (0.00025%); highest among the groups gnomAD compares: Admixed American, 0.0017%; no homozygotes.

Submissions (3):

Labcorp Genetics (formerly Invitae), Labcorp
Classification: Uncertain significance. Last evaluated: 2025-10-25. Review status: criteria provided, single submitter. Criteria: Invitae Variant Classification Sherloc (09022015). Collection method: clinical testing. Allele origin: germline.
Comment: This sequence change replaces arginine, which is basic and polar, with serine, which is neutral and polar, at codon 1359 of the POLE protein (p.Arg1359Ser). This variant is not present in population databases (gnomAD no frequency). This missense change has been observed in individual(s) with undergoing routine hereditary cancer testing (PMID: 32522261). ClinVar contains an entry for this variant (Variation ID: 422857). Invitae Evidence Modeling of protein sequence and biophysical properties (such as structural, functional, and spatial information, amino acid conservation, physicochemical variation, residue mobility, and thermodynamic stability) indicates that this missense variant is not expected to disrupt POLE protein function with a negative predictive value of 80%. In summary, the available evidence is currently insufficient to determine the role of this variant in disease. Therefore, it has been classified as a Variant of Uncertain Significance.

Ambry Genetics
Classification: Likely benign for Hereditary cancer-predisposing syndrome. Last evaluated: 2025-09-24. Review status: criteria provided, single submitter. Criteria: Ambry Variant Classification Scheme 2023. Collection method: clinical testing. Allele origin: germline.

GeneDx
Classification: Uncertain significance. Last evaluated: 2016-12-06. Review status: criteria provided, single submitter. Criteria: GeneDx Variant Classification (06012015). Collection method: clinical testing. Allele origin: germline. Affected: yes.
Comment: This variant is denoted POLE c.4077G>T at the cDNA level, p.Arg1359Ser (R1359S) at the protein level, and results in the change of an Arginine to a Serine (AGG>AGT). This variant has not, to our knowledge, been published in the literature as pathogenic or benign. POLE Arg1359Ser was not observed in approximately 6,500 individuals of European and African American ancestry in the NHLBI Exome Sequencing Project, suggesting it is not a common benign variant in these populations. Since Arginine and Serine differ in some properties, this is considered a semi-conservative amino acid substitution. POLE Arg1359Ser occurs at a position where amino acids with properties similar to Arginine are tolerated across species and is not located in a known functional domain (Tahirov 2009, Preston 2010). In silico analyses are inconsistent regarding the effect this variant may have on protein structure and function. Based on currently available evidence, it is unclear whether POLE Arg1359Ser is a pathogenic or benign variant. We consider it to be a variant of uncertain significance.

Literature cited by the submitters: PubMed 32522261 (cited by Labcorp Genetics (formerly Invitae), Labcorp).

NM_006231.4(POLE):c.4077G>T (p.Arg1359Ser)

Gene: POLE (DNA polymerase epsilon, catalytic subunit; minus strand). Cytogenetic location: 12q24.33.
Variant type: single nucleotide variant.
Coding change: c.4077G>T on transcript NM_006231.4 (MANE Select); coding-DNA position 4077, G replaced by T.
Protein change: p.Arg1359Ser; replaces arginine 1359 with serine.
Molecular consequence: missense variant.
Genome position (GRCh38, 1-based): chr12:132,649,001, C>A on the plus strand (G>T on the coding strand, the complement: POLE is on the minus strand). VCF-style: chr12-132649001-C-A. GRCh37 (hg19) VCF-style: chr12-133225587-C-A.
Other names: short protein forms R1359S.
Identifiers: ClinVar variation 422857 (VCV000422857.9), dbSNP rs1064796047, ClinGen allele CA16619464.
Genomic context (GRCh38, chr12:132,649,001, plus strand): 5'-AGCACCCTCCTCCGCTTTAGCGACTCGCTGGTTCACGTAGAACACACGGGGGATGCTCAG[C>A]CTGATGCAGTGCAAGTCACTGCCAACGAGCGCCCACAGCCTGAACAGGCCGGCCTGGCTG-3'
Protein context (NP_006222.2, residues 1349-1369): ALVGSDLHCI[Arg1359Ser]LSIPRVFYVN